The following is an entry in ClinVar:

NM_000062.3(SERPING1):c.263_266dup (p.Gln89fs)

Gene: SERPING1 (serpin family G member 1; plus strand). Cytogenetic location: 11q12.1.
Variant type: Microsatellite.
Coding change: c.263_266dup on transcript NM_000062.3 (MANE Select); coding-DNA positions 263 to 266, 4 bases duplicated (CACA; older notation c.263_266dupCACA).
Protein change: p.Gln89fs; shifts the reading frame from glutamine 89.
Molecular consequence: frameshift variant.
Genome position (GRCh38, 1-based): chr11:57,600,090-57,600,093, CACA duplicated; duplicating any 4 consecutive bases within chr11:57,600,088-57,600,093 gives the same sequence; the c. name uses the placement nearest the transcript's 3' end. VCF-style (leftmost placement, unchanged base first): chr11-57600087-C-CCACA. GRCh37 (hg19) VCF-style: chr11-57367560-C-CCACA.
Other names: c.263_266dup, p.Gln89fs (NM_001032295.2); short protein forms Q89fs.
Identifiers: ClinVar variation 2030864 (VCV002030864.4), dbSNP rs2495425731, ClinGen allele CA2580615700.
Genomic context (GRCh38, chr11:57,600,087, plus strand): 5'-CAACCAACTCAACAACCAATTCAGCCACCAAAATAACAGCTAATACCACTGATGAACCCA[C>CCACA]CACACAACCCACCACAGAGCCCACCACCCAACCCACCATCCAACCCACCCAACCAACTAC-3'

ClinVar aggregate classification (germline): Pathogenic (1 of 4 stars; one submission).

Submission:

Labcorp Genetics (formerly Invitae), Labcorp
Classification: Pathogenic. Last evaluated: 2022-09-16. Review status: criteria provided, single submitter. Criteria: Invitae Variant Classification Sherloc (09022015). Collection method: clinical testing. Allele origin: germline.
Comment: This sequence change creates a premature translational stop signal (p.Gln89Hisfs*45) in the SERPING1 gene. It is expected to result in an absent or disrupted protein product. Loss-of-function variants in SERPING1 are known to be pathogenic (PMID: 11112899, 24456027). This variant is not present in population databases (gnomAD no frequency). This variant has not been reported in the literature in individuals affected with SERPING1-related conditions. For these reasons, this variant has been classified as Pathogenic.

Literature cited by the submitters: PubMed 11112899; PubMed 24456027.